The following is an entry in ClinVar:

NM_001035.3(RYR2):c.2444C>T (p.Pro815Leu)

Gene: RYR2 (ryanodine receptor 2; plus strand). Cytogenetic location: 1q43.
Variant type: single nucleotide variant.
Coding change: c.2444C>T on transcript NM_001035.3 (MANE Select); coding-DNA position 2444, C replaced by T.
Protein change: p.Pro815Leu; replaces proline 815 with leucine.
Molecular consequence: missense variant.
Genome position (GRCh38, 1-based): chr1:237,503,336, C>T. VCF-style: chr1-237503336-C-T. GRCh37 (hg19) VCF-style: chr1-237666636-C-T.
Other names: c.2444C>T, p.Pro815Leu (LRG_402t1); short protein forms P815L.
Identifiers: ClinVar variation 191480 (VCV000191480.17), dbSNP rs537596448, ClinGen allele CA008847.

ClinVar aggregate classification (germline): Uncertain significance. Review status: criteria provided, multiple submitters, no conflicts (2 of 4 stars). 10 submissions from 10 submitters: Uncertain significance (8). 2 of the submissions do not count toward it. Last evaluated 2026-09-21.

Conditions:
RYR2-related disorder. Also called: RYR2-related condition.
Arrhythmogenic right ventricular dysplasia 2. Identifiers: MedGen C1832931.
Ventricular arrhythmias due to cardiac ryanodine receptor calcium release deficiency syndrome. Also called: Autosomal dominant cardiac arrhythmia (Kuhn). Identifiers: MedGen C5542154, MONDO:0020745, OMIM 115000.
Catecholaminergic polymorphic ventricular tachycardia 1. Also called: RYR2-Related Catecholaminergic Polymorphic Ventricular Tachycardia; VENTRICULAR TACHYCARDIA, STRESS-INDUCED POLYMORPHIC 1; VENTRICULAR TACHYCARDIA, CATECHOLAMINERGIC POLYMORPHIC, 1, WITH OR WITHOUT ATRIAL DYSFUNCTION AND/OR DILATED CARDIOMYOPATHY. Identifiers: Orphanet 3286, MedGen C1631597, MONDO:0011484, OMIM 604772.
Cardiovascular phenotype. Identifiers: MedGen CN230736.
Catecholaminergic polymorphic ventricular tachycardia (CVPT). Also called: Catecholamine-induced polymorphic ventricular tachycardia. Identifiers: Orphanet 3286, MedGen C5574922, MONDO:0017990.
Cardiomyopathy (CMYO). Also called: Cardiomyopathies. Identifiers: Orphanet 167848, MedGen C0878544, MONDO:0004994, HP:0001638. Inheritance: Various modes of inheritance.

Allele frequency attached by ClinVar (database versions not stated): gnomAD 0.00001; TOPMed 0.00001.
gnomAD v4.1: 8 of 1,613,618 alleles (0.0005%); highest among the groups gnomAD compares: Non-Finnish European, 0.00068%; no homozygotes.

Submissions (10):

Molecular Diagnostic Laboratory for Inherited Cardiovascular Disease, Montreal Heart Institute
Classification: Uncertain significance for Cardiovascular phenotype. Last evaluated: 2026-09-21. Review status: criteria provided, single submitter. Criteria: ACMG Guidelines, 2015. Collection method: clinical testing. Allele origin: germline. Affected: yes.
Comment: PM2, PP2

Labcorp Genetics (formerly Invitae), Labcorp
Classification: Uncertain significance for Catecholaminergic polymorphic ventricular tachycardia 1. Last evaluated: 2025-12-08. Review status: criteria provided, single submitter. Criteria: Invitae Variant Classification Sherloc (09022015). Collection method: clinical testing. Allele origin: germline.
Comment: This sequence change replaces proline, which is neutral and non-polar, with leucine, which is neutral and non-polar, at codon 815 of the RYR2 protein (p.Pro815Leu). This variant is present in population databases (rs537596448, gnomAD 0.007%). This variant has not been reported in the literature in individuals affected with RYR2-related conditions. ClinVar contains an entry for this variant (Variation ID: 191480). Invitae Evidence Modeling of protein sequence and biophysical properties (such as structural, functional, and spatial information, amino acid conservation, physicochemical variation, residue mobility, and thermodynamic stability) indicates that this missense variant is not expected to disrupt RYR2 protein function with a negative predictive value of 95%. In summary, the available evidence is currently insufficient to determine the role of this variant in disease. Therefore, it has been classified as a Variant of Uncertain Significance.

PreventionGenetics, part of Exact Sciences
Classification: Uncertain significance for RYR2-related condition. Last evaluated: 2025-02-06. Review status: criteria provided, single submitter. Criteria: ACMG Guidelines, 2015. Collection method: clinical testing. Allele origin: germline.
Comment: The RYR2 c.2444C>T variant is predicted to result in the amino acid substitution p.Pro815Leu. To our knowledge, this variant has not been reported in the literature. This variant is reported in 0.0065% of alleles in individuals of European (Non-Finnish) descent in gnomAD. At this time, the clinical significance of this variant is uncertain due to the absence of conclusive functional and genetic evidence.

Color Diagnostics, LLC DBA Color Health
Classification: Uncertain significance for Cardiomyopathy. Last evaluated: 2024-08-05. Review status: criteria provided, single submitter. Criteria: ACMG Guidelines, 2015. Collection method: clinical testing. Allele origin: germline.
Comment: This missense variant replaces proline with leucine at codon 815 of the RYR2 protein. Computational prediction suggests that this variant may not impact protein structure and function. To our knowledge, functional studies have not been reported for this variant. This variant has not been reported in individuals affected with RYR2-related disorders in the literature. This variant has been identified in 1/31396 chromosomes in the general population by the Genome Aggregation Database (gnomAD). The available evidence is insufficient to determine the role of this variant in disease conclusively. Therefore, this variant is classified as a Variant of Uncertain Significance.

All of Us Research Program, National Institutes of Health
Classification: Uncertain significance for Catecholaminergic polymorphic ventricular tachycardia. Last evaluated: 2023-10-27. Review status: criteria provided, single submitter. Criteria: ACMG Guidelines, 2015. Collection method: clinical testing. Allele origin: germline. Inheritance: Autosomal dominant inheritance. Observed: 3 variant alleles, 3 heterozygotes.
Comment: This missense variant replaces proline with leucine at codon 815 of the RYR2 protein. Computational prediction suggests that this variant may not impact protein structure and function (internally defined REVEL score threshold <= 0.5, PMID: 27666373). To our knowledge, functional studies have not been reported for this variant. This variant has not been reported in individuals affected with RYR2-related disorders in the literature. This variant has been identified in 1/31396 chromosomes in the general population by the Genome Aggregation Database (gnomAD). The available evidence is insufficient to determine the role of this variant in disease conclusively. Therefore, this variant is classified as a Variant of Uncertain Significance.

This study involves interpretation of variants in research participants for the purpose of population health screening. Participant phenotype was not available at the time of variant classification. Additional details can be found in publication PMID: 35346344, PMCID: PMC8962531

Ambry Genetics
Classification: Uncertain significance for Cardiovascular phenotype. Last evaluated: 2021-09-29. Review status: criteria provided, single submitter. Criteria: Ambry Variant Classification Scheme 2023. Collection method: clinical testing. Allele origin: germline.

Fulgent Genetics
Classification: Uncertain significance for Ventricular arrhythmias due to cardiac ryanodine receptor calcium release deficiency syndrome; Catecholaminergic polymorphic ventricular tachycardia 1. Last evaluated: 2021-08-31. Review status: criteria provided, single submitter. Criteria: ACMG Guidelines, 2015. Collection method: clinical testing. Allele origin: unknown.

Biesecker Lab/Clinical Genomics Section, National Institutes of Health
Classification: Uncertain significance. Last evaluated: 2013-06-24. Review status: criteria provided, single submitter. Criteria: Ng et al. (Circ Cardiovasc Genet. 2013). Collection method: research. Allele origin: unknown. Observed: 1 variant allele. Study: ClinSeq.
Comment: The study set was not selected for affection status in relation to any cancer. Pathogenicity categories were based on literature curation. See Pubmed ID:23861362 for details.

Medical sequencing

Diagnostic Laboratory, Department of Genetics, University Medical Center Groningen
Classification: Uncertain significance. Review status: no assertion criteria provided. Collection method: clinical testing. Allele origin: germline. Affected: yes. Study: VKGL Data-share Consensus. Not counted in ClinVar's aggregate classification.

Genome Diagnostics Laboratory, University Medical Center Utrecht
Classification: Uncertain significance. Review status: no assertion criteria provided. Collection method: clinical testing. Allele origin: germline. Affected: yes. Study: VKGL Data-share Consensus. Not counted in ClinVar's aggregate classification.